The following is an entry in ClinVar:

NM_006031.6(PCNT):c.6181C>T (p.Leu2061=)

Gene: PCNT (pericentrin; plus strand). Cytogenetic location: 21q22.3.
Variant type: single nucleotide variant.
Coding change: c.6181C>T on transcript NM_006031.6 (MANE Select); coding-DNA position 6181, C replaced by T.
Protein change: p.Leu2061=; no amino-acid change (leucine 2061 retained).
Molecular consequence: synonymous variant.
Genome position (GRCh38, 1-based): chr21:46,416,099, C>T. VCF-style: chr21-46416099-C-T. GRCh37 (hg19) VCF-style: chr21-47836013-C-T.
Other names: c.6181C>T (NM_006031.5); c.5827C>T, p.Leu1943= (NM_001315529.2).
Identifiers: ClinVar variation 2784339 (VCV002784339.5), dbSNP rs758377295, ClinGen allele CA10080272.

ClinVar aggregate classification (germline): Likely benign. Review status: criteria provided, single submitter (1 of 4 stars). 2 submissions from 2 submitters: Likely benign (1). 1 of the submissions does not count toward it. Last evaluated 2023-12-13.

Conditions:
PCNT-related disorder. Also called: PCNT-related condition.

Allele frequency attached by ClinVar (database versions not stated): ExAC 0.00001; gnomAD 0.00001; gnomAD exomes 0.00001; TOPMed 0.00001.
gnomAD v4.1: 4 of 1,614,066 alleles (0.00025%); highest among the groups gnomAD compares: Non-Finnish European, 0.00034%; no homozygotes.

Submissions (2):

Labcorp Genetics (formerly Invitae), Labcorp
Classification: Likely benign. Last evaluated: 2023-12-13. Review status: criteria provided, single submitter. Criteria: Invitae Variant Classification Sherloc (09022015). Collection method: clinical testing. Allele origin: germline.

PreventionGenetics, part of Exact Sciences
Classification: Likely benign for PCNT-related condition. Last evaluated: 2022-02-09. Review status: no assertion criteria provided. Collection method: clinical testing. Allele origin: germline. Not counted in ClinVar's aggregate classification.
Comment: This variant is classified as likely benign based on ACMG/AMP sequence variant interpretation guidelines (Richards et al. 2015 PMID: 25741868, with internal and published modifications).